The following is an entry in ClinVar:

ClinVar aggregate classification (germline): Likely benign. Review status: criteria provided, multiple submitters, no conflicts (2 of 4 stars). 3 submissions from 3 submitters: Likely benign (2). 1 of the submissions does not count toward it. Last evaluated 2026-07-01.

Conditions:
RAI1-related disorder. Also called: RAI1-related condition.

Allele frequency attached by ClinVar (database versions not stated): gnomAD exomes 0.00001; TOPMed 0.00001; ExAC 0.00003; gnomAD 0.00003; 1000 Genomes Project 30x 0.00016; 1000 Genomes Project 0.00020.
gnomAD v4.1: 26 of 1,613,308 alleles (0.0016%); highest among the groups gnomAD compares: East Asian, 0.02%; no homozygotes.

Submissions (3):

CeGaT Center for Human Genetics Tuebingen
Classification: Likely benign. Last evaluated: 2026-07-01. Review status: criteria provided, single submitter. Criteria: CeGaT Center For Human Genetics Tuebingen Variant Classification Criteria Version 2. Collection method: clinical testing. Allele origin: germline. Affected: yes. Observed: 1 variant allele.
Comment: RAI1: BP4, BP7

Labcorp Genetics (formerly Invitae), Labcorp
Classification: Likely benign. Last evaluated: 2024-02-25. Review status: criteria provided, single submitter. Criteria: Invitae Variant Classification Sherloc (09022015). Collection method: clinical testing. Allele origin: germline.

PreventionGenetics, part of Exact Sciences
Classification: Likely benign for RAI1-related condition. Last evaluated: 2023-04-11. Review status: no assertion criteria provided. Collection method: clinical testing. Allele origin: germline. Not counted in ClinVar's aggregate classification.
Comment: This variant is classified as likely benign based on ACMG/AMP sequence variant interpretation guidelines (Richards et al. 2015 PMID: 25741868, with internal and published modifications).

NM_030665.4(RAI1):c.2712G>A (p.Val904=)

Gene: RAI1 (retinoic acid induced 1; plus strand). Cytogenetic location: 17p11.2.
Variant type: single nucleotide variant.
Coding change: c.2712G>A on transcript NM_030665.4 (MANE Select); coding-DNA position 2712, G replaced by A.
Protein change: p.Val904=; no amino-acid change (valine 904 retained).
Molecular consequence: synonymous variant.
Genome position (GRCh38, 1-based): chr17:17,795,660, G>A. VCF-style: chr17-17795660-G-A. GRCh37 (hg19) VCF-style: chr17-17698974-G-A.
Other names: c.2712G>A (NM_030665.3).
Identifiers: ClinVar variation 2186240 (VCV002186240.6), dbSNP rs534150897, ClinGen allele CA8418592.
Genomic context (GRCh38, chr17:17,795,660, plus strand): 5'-GCCTGGCATGCAGGACCCGCTGTCACCCAAGGCCCCACTCATCTGCACCAAGGAGGAGGT[G>A]GAGGAGGTGCTGGACTCCAAGGCCGGCTGGGGCTCTCCGTGCCACCTCTCAGGGGAGTCC-3'
Protein context (NP_109590.3, residues 894-914): KAPLICTKEE[Val904=]EEVLDSKAGW